The following is an entry in ClinVar:

ClinVar aggregate classification (germline): Uncertain significance (1 of 4 stars; one submission).

Submission:

Labcorp Genetics (formerly Invitae), Labcorp
Classification: Uncertain significance. Last evaluated: 2024-04-16. Review status: criteria provided, single submitter. Criteria: Invitae Variant Classification Sherloc (09022015). Collection method: clinical testing. Allele origin: germline.
Comment: This sequence change replaces alanine, which is neutral and non-polar, with glycine, which is neutral and non-polar, at codon 137 of the CCT2 protein (p.Ala137Gly). This variant is not present in population databases (gnomAD no frequency). This variant has not been reported in the literature in individuals affected with CCT2-related conditions. An algorithm developed to predict the effect of missense changes on protein structure and function (PolyPhen-2) suggests that this variant is likely to be tolerated. In summary, the available evidence is currently insufficient to determine the role of this variant in disease. Therefore, it has been classified as a Variant of Uncertain Significance.

NM_006431.3(CCT2):c.410C>G (p.Ala137Gly)

Gene: CCT2 (chaperonin containing TCP1 subunit 2; plus strand). Cytogenetic location: 12q15.
Variant type: single nucleotide variant.
Coding change: c.410C>G on transcript NM_006431.3 (MANE Select); coding-DNA position 410, C replaced by G.
Protein change: p.Ala137Gly; replaces alanine 137 with glycine.
Molecular consequence: missense variant.
Genome position (GRCh38, 1-based): chr12:69,588,226, C>G. VCF-style: chr12-69588226-C-G. GRCh37 (hg19) VCF-style: chr12-69982006-C-G.
Other names: c.269C>G, p.Ala90Gly (NM_001198842.2); short protein forms A137G, A90G.
Identifiers: ClinVar variation 3645815 (VCV003645815.2).